The following is an entry in ClinVar:

ClinVar aggregate classification (germline): Uncertain significance (1 of 4 stars; one submission).

Conditions:
Hypertrophic cardiomyopathy. Also called: HYPERTROPHIC MYOCARDIOPATHY. Identifiers: Orphanet 217569, MedGen C0007194, MeSH D002312, MONDO:0005045, HP:0001639.

Submission:

Labcorp Genetics (formerly Invitae), Labcorp
Classification: Uncertain significance for Hypertrophic cardiomyopathy. Last evaluated: 2024-12-15. Review status: criteria provided, single submitter. Criteria: Invitae Variant Classification Sherloc (09022015). Collection method: clinical testing. Allele origin: germline.
Comment: This sequence change creates a premature translational stop signal (p.Asn232Metfs*32) in the MYH7 gene. It is expected to result in an absent or disrupted protein product. However, the current clinical and genetic evidence is not sufficient to establish whether loss-of-function variants in MYH7 cause disease. This variant is not present in population databases (gnomAD no frequency). This variant has not been reported in the literature in individuals affected with MYH7-related conditions. In summary, the available evidence is currently insufficient to determine the role of this variant in disease. Therefore, it has been classified as a Variant of Uncertain Significance.

NM_000257.4(MYH7):c.693del (p.Asn232fs)

Gene: MYH7 (myosin heavy chain 7; minus strand). Cytogenetic location: 14q11.2.
Variant type: Deletion.
Coding change: c.693del on transcript NM_000257.4 (MANE Select); coding-DNA position 693, one base deleted (C; older notation c.693delC).
Protein change: p.Asn232fs; shifts the reading frame from asparagine 232.
Molecular consequence: frameshift variant.
Genome position (GRCh38, 1-based): chr14:23,431,624, G deleted on the plus strand (C on the coding strand, the reverse complement: MYH7 is on the minus strand). VCF-style (leftmost placement, unchanged base first): chr14-23431623-TG-T. GRCh37 (hg19) VCF-style: chr14-23900832-TG-T.
Other names: c.693del, p.Asn232fs (NM_001407004.1); short protein forms N232fs.
Identifiers: ClinVar variation 3727314 (VCV003727314.2).